The following is an entry in ClinVar:

NM_194292.3(SASS6):c.24A>G (p.Gln8=)

Gene: SASS6 (SAS-6 centriolar assembly protein; minus strand). Cytogenetic location: 1p21.2.
Variant type: single nucleotide variant.
Coding change: c.24A>G on transcript NM_194292.3 (MANE Select); coding-DNA position 24, A replaced by G.
Protein change: p.Gln8=; no amino-acid change (glutamine 8 retained).
Molecular consequence: synonymous variant. On other transcripts: 5 prime UTR variant (1).
Genome position (GRCh38, 1-based): chr1:100,132,791, T>C on the plus strand (A>G on the coding strand, the complement: SASS6 is on the minus strand). VCF-style: chr1-100132791-T-C. GRCh37 (hg19) VCF-style: chr1-100598347-T-C.
Other names: c.-398A>G (NM_001304829.2).
Identifiers: ClinVar variation 4823695 (VCV004823695.4).
Genomic context (GRCh38, chr1:100,132,791, plus strand): 5'-TGGATGACGCGGACCTTACCTCTCCTCACAGTCTTTGCATTTCACCTGCAACGGGACTAG[T>C]TGGTGGAACAGCACTTGGCTCATGTTGGCTCGCTGCCTCGGCTGGTGTGCAGAAAAGCCC-3'
Protein context (NP_919268.1, residues 1-18): MSQVLFH[Gln8=]LVPLQVKCKD

ClinVar aggregate classification (germline): Likely benign (1 of 4 stars; one submission).

gnomAD v4.1: 1 of 1,614,114 alleles (0.000062%); highest among the groups gnomAD compares: Non-Finnish European, 0.000085%; no homozygotes.

Submission:

CeGaT Center for Human Genetics Tuebingen
Classification: Likely benign. Last evaluated: 2026-03-01. Review status: criteria provided, single submitter. Criteria: CeGaT Center For Human Genetics Tuebingen Variant Classification Criteria Version 2. Collection method: clinical testing. Allele origin: germline. Affected: yes. Observed: 1 variant allele.
Comment: SASS6: BP4, BP7